The following is an entry in ClinVar:

ClinVar aggregate classification (germline): Uncertain significance. Review status: criteria provided, multiple submitters, no conflicts (2 of 4 stars). 2 submissions from 2 submitters: Uncertain significance (2). Last evaluated 2025-03-04.

Conditions:
Hereditary cancer-predisposing syndrome. Also called: Tumor predisposition; Hereditary neoplastic syndrome; Neoplastic Syndromes, Hereditary; Hereditary Cancer Syndrome. Identifiers: Orphanet 140162, MedGen C0027672, MeSH D009386, MONDO:0015356.

Submissions (2):

Ambry Genetics
Classification: Uncertain significance for Hereditary cancer-predisposing syndrome. Last evaluated: 2025-03-04. Review status: criteria provided, single submitter. Criteria: Ambry Variant Classification Scheme 2023. Collection method: clinical testing. Allele origin: germline.
Comment: The c.3407_3409delTTC variant (also known as p.L1136del) is located in coding exon 24 of the MSH3 gene. This variant results from an in-frame TTC deletion at nucleotide positions 3407 to 3409. This results in the in-frame deletion of a leucine at codon 1136. This amino acid position is poorly conserved in available vertebrate species. In addition, this alteration is predicted to be neutral by in silico analysis (Choi Y et al. PLoS ONE. 2012; 7(10):e46688). Based on the available evidence, the clinical significance of this variant remains unclear.

Labcorp Genetics (formerly Invitae), Labcorp
Classification: Uncertain significance. Last evaluated: 2023-03-29. Review status: criteria provided, single submitter. Criteria: Invitae Variant Classification Sherloc (09022015). Collection method: clinical testing. Allele origin: germline.
Comment: In summary, the available evidence is currently insufficient to determine the role of this variant in disease. Therefore, it has been classified as a Variant of Uncertain Significance. Experimental studies and prediction algorithms are not available or were not evaluated, and the functional significance of this variant is currently unknown. This variant has not been reported in the literature in individuals affected with MSH3-related conditions. This variant is not present in population databases (gnomAD no frequency). This variant, c.3407_3409del, results in the deletion of 1 amino acid(s) of the MSH3 protein (p.Leu1136del), but otherwise preserves the integrity of the reading frame.

NM_002439.5(MSH3):c.3404TTC[1] (p.Leu1136del)

Gene: MSH3 (mutS homolog 3; plus strand). Cytogenetic location: 5q14.1.
Variant type: Microsatellite.
Coding change: c.3404TTC[1] on transcript NM_002439.5 (MANE Select); one copy of the 3-base unit TTC starting at c.3404; the reference has two copies in a row; one copy, 3 bases deleted.
Protein change: p.Leu1136del; deletes leucine 1136.
Molecular consequence: inframe deletion.
Genome position (GRCh38, 1-based): chr5:80,875,855-80,875,857, TTC deleted; deleting any 3 consecutive bases within chr5:80,875,850-80,875,857 gives the same sequence; the position shown is the placement nearest the transcript's 3' end. VCF-style (leftmost placement, unchanged base first): chr5-80875849-CTCT-C. GRCh37 (hg19) VCF-style: chr5-80171668-CTCT-C.
Other names: c.3407_3409delTTC (NM_002439.3); short protein forms L1136del.
Identifiers: ClinVar variation 1489737 (VCV001489737.7), dbSNP rs2112131955, ClinGen allele CA2580613597.